The following is an entry in ClinVar:

ClinVar aggregate classification (germline): Uncertain significance (1 of 4 stars; one submission).

Submission:

Labcorp Genetics (formerly Invitae), Labcorp
Classification: Uncertain significance. Last evaluated: 2022-06-13. Review status: criteria provided, single submitter. Criteria: Invitae Variant Classification Sherloc (09022015). Collection method: clinical testing. Allele origin: germline.
Comment: In summary, the available evidence is currently insufficient to determine the role of this variant in disease. Therefore, it has been classified as a Variant of Uncertain Significance. Algorithms developed to predict the effect of missense changes on protein structure and function are either unavailable or do not agree on the potential impact of this missense change (SIFT: "Tolerated"; PolyPhen-2: "Probably Damaging"; Align-GVGD: "Class C0"). This variant has not been reported in the literature in individuals affected with LCA5-related conditions. This variant is not present in population databases (gnomAD no frequency). This sequence change replaces lysine, which is basic and polar, with glutamic acid, which is acidic and polar, at codon 145 of the LCA5 protein (p.Lys145Glu).

NM_001122769.3(LCA5):c.433A>G (p.Lys145Glu)

Gene: LCA5 (lebercilin LCA5; minus strand). Cytogenetic location: 6q14.1.
Variant type: single nucleotide variant.
Coding change: c.433A>G on transcript NM_001122769.3 (MANE Select); coding-DNA position 433, A replaced by G.
Protein change: p.Lys145Glu; replaces lysine 145 with glutamic acid.
Molecular consequence: missense variant.
Genome position (GRCh38, 1-based): chr6:79,513,499, T>C on the plus strand (A>G on the coding strand, the complement: LCA5 is on the minus strand). VCF-style: chr6-79513499-T-C. GRCh37 (hg19) VCF-style: chr6-80223216-T-C.
Other names: c.433A>G, p.Lys145Glu (NM_181714.4); short protein forms K145E.
Identifiers: ClinVar variation 1375191 (VCV001375191.6), dbSNP rs2127680128, ClinGen allele CA364629015.